The following is an entry in ClinVar:

ClinVar aggregate classification (germline): Uncertain significance. Review status: criteria provided, multiple submitters, no conflicts (2 of 4 stars). 2 submissions from 2 submitters: Uncertain significance (2). Last evaluated 2025-02-21.

Conditions:
Autosomal recessive limb-girdle muscular dystrophy type 2J (LGMDR10). Also called: Limb-girdle muscular dystrophy, type 2J; MUSCULAR DYSTROPHY, LIMB-GIRDLE, AUTOSOMAL RECESSIVE 10. Identifiers: Orphanet 140922, MedGen C1837342, MONDO:0012127, OMIM 608807.
Dilated cardiomyopathy 1G (CMD1G). Identifiers: Orphanet 154, MedGen C1858763, MONDO:0011400, OMIM 604145.

Allele frequency attached by ClinVar (database versions not stated): gnomAD exomes below 0.00001 and 0.00002; gnomAD 0.00002; TOPMed 0.00002.
gnomAD v4.1: 5 of 1,547,022 alleles (0.00032%); highest among the groups gnomAD compares: African/African-American, 0.007%; no homozygotes.

Submissions (2):

GeneDx
Classification: Uncertain significance. Last evaluated: 2025-02-21. Review status: criteria provided, single submitter. Criteria: GeneDx Variant Classification Process June 2021. Collection method: clinical testing. Allele origin: germline. Affected: yes.
Comment: Not observed at significant frequency in large population cohorts (gnomAD); Missense variant in a gene in which most reported pathogenic variants are truncating/loss of function; Has not been previously published as pathogenic or benign to our knowledge

Labcorp Genetics (formerly Invitae), Labcorp
Classification: Uncertain significance for Dilated cardiomyopathy 1G; Autosomal recessive limb-girdle muscular dystrophy type 2J. Last evaluated: 2017-05-09. Review status: criteria provided, single submitter. Criteria: Invitae Variant Classification Sherloc (09022015). Collection method: clinical testing. Allele origin: germline.
Comment: This sequence change replaces cysteine with tyrosine at codon 18684 of the TTN protein (p.Cys18684Tyr). Conservation data is not available for the cysteine residue and there is a large physicochemical difference between cysteine and tyrosine. This variant also falls at the first nucleotide of exon 289 of the TTN coding sequence, which is part of the consensus splice site for this exon. This variant is not present in population databases (ExAC no frequency) and has not been reported in the literature in individuals with a TTN-related disease. This variant identified in the TTN gene is located in the A-band of the resulting protein (PMID: 25589632). Experimental studies and prediction algorithms are not available for this variant, and it is unclear how this variant impacts the function of this protein. Algorithms developed to predict the effect of sequence changes on RNA splicing suggest that this variant may alter RNA splicing, but this prediction has not been confirmed by published transcriptional studies. In summary, this variant is a novel missense change with uncertain impact on RNA splicing and protein function. It has been classified as a Variant of Uncertain Significance.

Literature cited by the submitters: PubMed 25589632 (cited by Labcorp Genetics (formerly Invitae), Labcorp).

NM_001267550.2(TTN):c.56051G>A (p.Cys18684Tyr)

Genes: TTN-AS1 (TTN antisense RNA 1; plus strand), TTN (titin; minus strand). Cytogenetic location: 2q31.2.
Variant type: single nucleotide variant.
Coding change: c.56051G>A on transcript NM_001267550.2 (MANE Select); coding-DNA position 56051, G replaced by A.
Protein change: p.Cys18684Tyr; replaces cysteine 18684 with tyrosine.
Molecular consequence: missense variant.
Genome position (GRCh38, 1-based): chr2:178,599,850, C>T on the plus strand (G>A on the coding strand, the complement: TTN is on the minus strand). VCF-style: chr2-178599850-C-T. GRCh37 (hg19) VCF-style: chr2-179464577-C-T.
Other names: c.56051G>A (NM_001267550.1); c.51128G>A, p.Cys17043Tyr (NM_001256850.1); c.28856G>A, p.Cys9619Tyr (NM_003319.4); c.48347G>A, p.Cys16116Tyr (NM_133378.4); c.29231G>A, p.Cys9744Tyr (NM_133432.3); c.29432G>A, p.Cys9811Tyr (NM_133437.4); short protein forms C18684Y, C9744Y, C16116Y, C9811Y, C9619Y, C17043Y.
Identifiers: ClinVar variation 467283 (VCV000467283.3), dbSNP rs1025426023, ClinGen allele CA60976860.